The following is an entry in ClinVar:

NM_000238.4(KCNH2):c.2269A>G (p.Lys757Glu)

Gene: KCNH2 (potassium voltage-gated channel subfamily H member 2; minus strand). Cytogenetic location: 7q36.1.
Variant type: single nucleotide variant.
Coding change: c.2269A>G on transcript NM_000238.4 (MANE Select); coding-DNA position 2269, A replaced by G.
Protein change: p.Lys757Glu; replaces lysine 757 with glutamic acid.
Molecular consequence: missense variant.
Genome position (GRCh38, 1-based): chr7:150,950,297, T>C on the plus strand (A>G on the coding strand, the complement: KCNH2 is on the minus strand). VCF-style: chr7-150950297-T-C. GRCh37 (hg19) VCF-style: chr7-150647385-T-C.
Other names: c.1249A>G, p.Lys417Glu (NM_001204798.2, NM_172057.3); c.1981A>G, p.Lys661Glu (NM_001406753.1, NM_001406756.1); c.2092A>G, p.Lys698Glu (NM_001406755.1); c.1969A>G, p.Lys657Glu (NM_001406757.1); c.2269A>G, p.Lys757Glu (NM_172056.3); short protein forms K417E, K757E, K661E, K698E, K657E.
Identifiers: ClinVar variation 1464746 (VCV001464746.7), dbSNP rs2116949798, ClinGen allele CA369856367.

ClinVar aggregate classification (germline): Uncertain significance (1 of 4 stars; one submission).

Conditions:
Long QT syndrome (LQTS). Identifiers: MedGen C0023976, MeSH D008133, MONDO:0002442. Disease mechanism: loss of function. Inheritance: Various modes of inheritance.

Submission:

Labcorp Genetics (formerly Invitae), Labcorp
Classification: Uncertain significance for Long QT syndrome. Last evaluated: 2021-08-27. Review status: criteria provided, single submitter. Criteria: Invitae Variant Classification Sherloc (09022015). Collection method: clinical testing. Allele origin: germline.
Comment: In summary, the available evidence is currently insufficient to determine the role of this variant in disease. Therefore, it has been classified as a Variant of Uncertain Significance. This variant disrupts the p.Lys757 amino acid residue in KCNH2. Other variant(s) that disrupt this residue have been observed in individuals with KCNH2-related conditions (PMID: 22949429, 25417810; Invitae), which suggests that this may be a clinically significant amino acid residue. Algorithms developed to predict the effect of missense changes on protein structure and function are either unavailable or do not agree on the potential impact of this missense change (SIFT: "Deleterious"; PolyPhen-2: "Possibly Damaging"; Align-GVGD: "Class C0"). This missense change has been observed in individual(s) with clinical features of KCNH2-related conditions (Invitae). This variant is not present in population databases (ExAC no frequency). This sequence change replaces lysine with glutamic acid at codon 757 of the KCNH2 protein (p.Lys757Glu). The lysine residue is moderately conserved and there is a small physicochemical difference between lysine and glutamic acid.

Literature cited by the submitters: PubMed 22949429; PubMed 25417810.